The following is an entry in ClinVar:

NM_002292.4(LAMB2):c.5136G>A (p.Thr1712=)

Gene: LAMB2 (laminin subunit beta 2; minus strand). Cytogenetic location: 3p21.31.
Variant type: single nucleotide variant.
Coding change: c.5136G>A on transcript NM_002292.4 (MANE Select); coding-DNA position 5136, G replaced by A.
Protein change: p.Thr1712=; no amino-acid change (threonine 1712 retained).
Molecular consequence: synonymous variant.
Genome position (GRCh38, 1-based): chr3:49,121,557, C>T on the plus strand (G>A on the coding strand, the complement: LAMB2 is on the minus strand). VCF-style: chr3-49121557-C-T. GRCh37 (hg19) VCF-style: chr3-49158990-C-T.
Other names: c.5136G>A (NM_002292.3).
Identifiers: ClinVar variation 2195150 (VCV002195150.5), dbSNP rs767608145, ClinGen allele CA2393592.

ClinVar aggregate classification (germline): Likely benign. Review status: criteria provided, multiple submitters, no conflicts (2 of 4 stars). 2 submissions from 2 submitters: Likely benign (2). Last evaluated 2025-04-21.

Conditions:
LAMB2-related disorder. Also called: LAMB2-related condition.
Pierson syndrome. Also called: MICROCORIA-CONGENITAL NEPHROTIC SYNDROME. Identifiers: Orphanet 2670, MedGen C1836876, MONDO:0012184, OMIM 609049.
LAMB2-related infantile-onset nephrotic syndrome. Also called: NEPHROTIC SYNDROME, TYPE 5, WITHOUT OCULAR ABNORMALITIES; NEPHROTIC SYNDROME, TYPE 5, WITH OCULAR ABNORMALITIES; Nephrotic Syndrome, type 5. Identifiers: Orphanet 306507, MedGen C3280113, MONDO:0013621, OMIM 614199.

Allele frequency attached by ClinVar (database versions not stated): ExAC 0.00001; gnomAD exomes 0.00001.
gnomAD v4.1: 11 of 1,614,016 alleles (0.00068%); highest among the groups gnomAD compares: Admixed American, 0.0033%; no homozygotes.

Submissions (2):

PreventionGenetics, part of Exact Sciences
Classification: Likely benign for LAMB2-related condition. Last evaluated: 2025-04-21. Review status: criteria provided, single submitter. Criteria: ACMG Guidelines, 2015. Collection method: clinical testing. Allele origin: germline.
Comment: This variant is classified as likely benign based on ACMG/AMP sequence variant interpretation guidelines (Richards et al. 2015 PMID: 25741868, with internal and published modifications).

Labcorp Genetics (formerly Invitae), Labcorp
Classification: Likely benign for LAMB2-related infantile-onset nephrotic syndrome; Pierson syndrome. Last evaluated: 2022-08-08. Review status: criteria provided, single submitter. Criteria: Invitae Variant Classification Sherloc (09022015). Collection method: clinical testing. Allele origin: germline.